The following is an entry in ClinVar:

NM_032119.4(ADGRV1):c.2524T>G (p.Leu842Val)

Gene: ADGRV1 (adhesion G protein-coupled receptor V1; plus strand). Cytogenetic location: 5q14.3.
Variant type: single nucleotide variant.
Coding change: c.2524T>G on transcript NM_032119.4 (MANE Select); coding-DNA position 2524, T replaced by G.
Protein change: p.Leu842Val; replaces leucine 842 with valine.
Molecular consequence: missense variant. On other transcripts: non-coding transcript variant (1).
Genome position (GRCh38, 1-based): chr5:90,643,012, T>G. VCF-style: chr5-90643012-T-G. GRCh37 (hg19) VCF-style: chr5-89938829-T-G.
Other names: short protein forms L842V.
Identifiers: ClinVar variation 1063726 (VCV001063726.16), dbSNP rs370265583, ClinGen allele CA3338952.
Genomic context (GRCh38, chr5:90,643,012, plus strand): 5'-TTCTATGGAAACACGGGAGTACTAGAATTTAAACCTGGAGAAAGGGAGATAGTGATCACC[T>G]TGCTAGCAAGATTGGATGGGATACCAGAGGTATGGGATTTTATATTTTCTTTGTGTTTCT-3'
Protein context (NP_115495.3, residues 832-852): KPGEREIVIT[Leu842Val]LARLDGIPEL

ClinVar aggregate classification (germline): Conflicting classifications of pathogenicity. Review status: criteria provided, conflicting classifications (1 of 4 stars). 5 submissions from 5 submitters: Uncertain significance (4); Likely benign (1). Last evaluated 2026-08-04.

Conditions:
Inborn genetic diseases. Identifiers: MedGen C0950123, MeSH D030342.
ADGRV1-related disorder. Also called: ADGRV1-related condition; ADGRV1-related disorders.

Allele frequency attached by ClinVar (database versions not stated): gnomAD 0.00004; TOPMed 0.00006; ExAC 0.00008; ESP Exome Variant Server 0.00008; gnomAD exomes 0.00008.
gnomAD v4.1: 125 of 1,613,360 alleles (0.0077%); highest among the groups gnomAD compares: Admixed American, 0.01%; no homozygotes.

Submissions (5):

PreventionGenetics, part of Exact Sciences
Classification: Uncertain significance for ADGRV1-related condition. Last evaluated: 2026-08-04. Review status: criteria provided, single submitter. Criteria: ACMG Guidelines, 2015. Collection method: clinical testing. Allele origin: germline.
Comment: The ADGRV1 c.2524T>G variant is predicted to result in the amino acid substitution p.Leu842Val. To our knowledge, this variant has not been reported in the literature. This variant is reported in 0.039% of alleles in individuals of Ashkenazi Jewish descent in gnomAD. At this time, the clinical significance of this variant is uncertain due to the absence of conclusive functional and genetic evidence.

Labcorp Genetics (formerly Invitae), Labcorp
Classification: Likely benign. Last evaluated: 2026-01-11. Review status: criteria provided, single submitter. Criteria: Invitae Variant Classification Sherloc (09022015). Collection method: clinical testing. Allele origin: germline.

Ambry Genetics
Classification: Uncertain significance for Inborn genetic diseases. Last evaluated: 2025-06-09. Review status: criteria provided, single submitter. Criteria: Ambry Variant Classification Scheme 2023. Collection method: clinical testing. Allele origin: germline.

Blueprint Genetics
Classification: Uncertain significance. Last evaluated: 2024-10-28. Review status: criteria provided, single submitter. Criteria: ACMG Guidelines, 2015. Collection method: clinical testing. Allele origin: germline.

GeneDx
Classification: Uncertain significance. Last evaluated: 2024-07-16. Review status: criteria provided, single submitter. Criteria: GeneDx Variant Classification Process June 2021. Collection method: clinical testing. Allele origin: germline. Affected: yes.
Comment: Identified in a patient with sensorineural hearing loss in published literature (PMID: 34515852); In silico analysis indicates that this missense variant does not alter protein structure/function; This variant is associated with the following publications: (PMID: 34515852)